The following is an entry in ClinVar:

NM_032108.4(SEMA6B):c.2569G>A (p.Gly857Arg)

Gene: SEMA6B (semaphorin 6B; minus strand). Cytogenetic location: 19p13.3.
Variant type: single nucleotide variant.
Coding change: c.2569G>A on transcript NM_032108.4 (MANE Select); coding-DNA position 2569, G replaced by A.
Protein change: p.Gly857Arg; replaces glycine 857 with arginine.
Molecular consequence: missense variant.
Genome position (GRCh38, 1-based): chr19:4,543,699, C>T on the plus strand (G>A on the coding strand, the complement: SEMA6B is on the minus strand). VCF-style: chr19-4543699-C-T. GRCh37 (hg19) VCF-style: chr19-4543711-C-T.
Other names: short protein forms G857R.
Identifiers: ClinVar variation 3371102 (VCV003371102.2).

ClinVar aggregate classification (germline): Uncertain significance (1 of 4 stars; one submission).

Submission:

GeneDx
Classification: Uncertain significance. Last evaluated: 2025-03-28. Review status: criteria provided, single submitter. Criteria: GeneDx Variant Classification Process June 2021. Collection method: clinical testing. Allele origin: germline. Affected: yes.
Comment: Not observed at significant frequency in large population cohorts (gnomAD); In silico analysis supports that this missense variant has a deleterious effect on protein structure/function; Has not been previously published as pathogenic or benign to our knowledge